The following is an entry in ClinVar:

NM_000123.4(ERCC5):c.2542C>T (p.Arg848Trp)

Genes: BIVM-ERCC5 (BIVM-ERCC5 readthrough; plus strand), ERCC5 (ERCC excision repair 5, endonuclease; plus strand). Cytogenetic location: 13q33.1.
Variant type: single nucleotide variant.
Coding change: c.2542C>T on transcript NM_000123.4 (MANE Select); coding-DNA position 2542, C replaced by T.
Protein change: p.Arg848Trp; replaces arginine 848 with tryptophan.
Molecular consequence: missense variant.
Genome position (GRCh38, 1-based): chr13:102,868,121, C>T. VCF-style: chr13-102868121-C-T. GRCh37 (hg19) VCF-style: chr13-103520471-C-T.
Other names: c.3904C>T, p.Arg1302Trp (NM_001204425.2); short protein forms R848W, R1302W.
Identifiers: ClinVar variation 134163 (VCV000134163.2), dbSNP rs587778290, ClinGen allele CA158954.

ClinVar aggregate classification (germline): Uncertain significance. Review status: criteria provided, single submitter (1 of 4 stars). 2 submissions from 2 submitters: Uncertain significance (1). 1 of the submissions does not count toward it. Last evaluated 2026-02-14.

Allele frequency attached by ClinVar (database versions not stated): gnomAD 0.00003 and 0.00004; gnomAD exomes 0.00003; TOPMed 0.00003; ExAC 0.00004.
gnomAD v4.1: 30 of 1,613,472 alleles (0.0019%); highest among the groups gnomAD compares: African/African-American, 0.012%; no homozygotes.

Submissions (2):

GeneDx
Classification: Uncertain significance. Last evaluated: 2026-02-14. Review status: criteria provided, single submitter. Criteria: GeneDx Variant Classification Process June 2021. Collection method: clinical testing. Allele origin: germline.
Comment: In silico analysis supports that this missense variant has a deleterious effect on protein structure/function; Has not been previously published in association with an ERCC5-related disorder to our knowledge; This variant is associated with the following publications: (PMID: 34308104)

ITMI
No classification provided. Condition: AllHighlyPenetrant. Last evaluated: 2013-09-19. Review status: no classification provided. Collection method: reference population. Allele origin: germline. Not counted in ClinVar's aggregate classification.
Comment: Please see associated publication for description of ethnicities

Literature cited by the submitters: PubMed 24728327 (cited by ITMI).